The following is an entry in ClinVar:

NM_000077.5(CDKN2A):c.86G>T (p.Arg29Leu)

Gene: CDKN2A (cyclin dependent kinase inhibitor 2A; minus strand). Cytogenetic location: 9p21.3.
Variant type: single nucleotide variant.
Coding change: c.86G>T on transcript NM_000077.5; coding-DNA position 86, G replaced by T.
Protein change: p.Arg29Leu; replaces arginine 29 with leucine.
Molecular consequence: missense variant (on NM_000077.6). On other transcripts: intron variant (2).
Genome position (GRCh38, 1-based): chr9:21,974,742, C>A on the plus strand (G>T on the coding strand, the complement: CDKN2A is on the minus strand). VCF-style: chr9-21974742-C-A. GRCh37 (hg19) VCF-style: chr9-21974741-C-A.
Other names: c.86G>T, p.Arg29Leu (NM_000077.6, NM_001195132.2, NM_058197.5); c.-3-3534G>T (NM_001363763.2); c.194-3534G>T (NM_058195.4); short protein forms R29L.
Identifiers: ClinVar variation 2023352 (VCV002023352.4), dbSNP rs1819952993, ClinGen allele CA373086586.
Genomic context (GRCh38, chr9:21,974,742, plus strand): 5'-ATCGGCCTCCGACCGTAACTATTCGGTGCGTTGGGCAGCGCCCCCGCCTCCAGCAGCGCC[C>A]GCACCTCCTCTACCCGACCCCGGGCCGCGGCCGTGGCCAGCCAGTCAGCCGAAGGCTCCA-3'
Protein context (NP_000068.1, residues 19-39): AAARGRVEEV[Arg29Leu]ALLEAGALPN

ClinVar aggregate classification (germline): Uncertain significance (1 of 4 stars; one submission).

Conditions:
Familial melanoma. Also called: Hereditary melanoma; Hereditary cutaneous melanoma. Identifiers: Orphanet 618, MedGen C1512419, MONDO:0018961.

Submission:

Labcorp Genetics (formerly Invitae), Labcorp
Classification: Uncertain significance for Familial melanoma. Last evaluated: 2022-08-10. Review status: criteria provided, single submitter. Criteria: Invitae Variant Classification Sherloc (09022015). Collection method: clinical testing. Allele origin: germline.
Comment: This sequence change replaces arginine, which is basic and polar, with leucine, which is neutral and non-polar, at codon 29 of the CDKN2A (p16INK4a) protein (p.Arg29Leu). This variant is not present in population databases (gnomAD no frequency). This variant has not been reported in the literature in individuals affected with CDKN2A (p16INK4a)-related conditions. Algorithms developed to predict the effect of missense changes on protein structure and function are either unavailable or do not agree on the potential impact of this missense change (SIFT: "Deleterious"; PolyPhen-2: "Benign"; Align-GVGD: "Class C0"). In summary, the available evidence is currently insufficient to determine the role of this variant in disease. Therefore, it has been classified as a Variant of Uncertain Significance.